The following is an entry in ClinVar:

NM_004612.4(TGFBR1):c.1278G>C (p.Leu426=)

Gene: TGFBR1 (transforming growth factor beta receptor 1; plus strand). Cytogenetic location: 9q22.33.
Variant type: single nucleotide variant.
Coding change: c.1278G>C on transcript NM_004612.4 (MANE Select); coding-DNA position 1278, G replaced by C.
Protein change: p.Leu426=; no amino-acid change (leucine 426 retained).
Molecular consequence: synonymous variant. On other transcripts: non-coding transcript variant (4).
Genome position (GRCh38, 1-based): chr9:99,147,676, G>C. VCF-style: chr9-99147676-G-C. GRCh37 (hg19) VCF-style: chr9-101909958-G-C.
Other names: c.1071G>C, p.Leu357= (NM_001407434.1, NM_001407423.1, NM_001407424.1 and 8 more transcripts); c.1047G>C, p.Leu349= (NM_001407435.1, NM_001130916.3); c.1032G>C, p.Leu344= (NM_001407436.1); c.570G>C, p.Leu190= (NM_001407437.1); c.801G>C, p.Leu267= (NM_001407438.1); c.1290G>C, p.Leu430= (NM_001306210.2); c.1122G>C, p.Leu374= (NM_001407416.1); c.1110G>C, p.Leu370= (NM_001407417.1); and 1 more.
Identifiers: ClinVar variation 3026815 (VCV003026815.24), dbSNP rs368928967, ClinGen allele CA466435515.

ClinVar aggregate classification (germline): Likely benign. Review status: criteria provided, multiple submitters, no conflicts (2 of 4 stars). 3 submissions from 3 submitters: Likely benign (3). Last evaluated 2024-01-01.

Conditions:
Loeys-Dietz syndrome (LDS). Identifiers: Orphanet 60030, MedGen C2697932, MONDO:0018954.
Familial thoracic aortic aneurysm and aortic dissection (TAAD). Also called: Thoracic aortic aneurysms and dissections. Identifiers: Orphanet 91387, MedGen C4707243, MONDO:0019625.

Allele frequency attached by ClinVar (database versions not stated): TOPMed below 0.00001.
gnomAD v4.1: 3 of 1,613,334 alleles (0.00019%); highest among the groups gnomAD compares: Non-Finnish European, 0.00025%; no homozygotes.

Submissions (3):

CeGaT Center for Human Genetics Tuebingen
Classification: Likely benign. Last evaluated: 2024-01-01. Review status: criteria provided, single submitter. Criteria: CeGaT Center For Human Genetics Tuebingen Variant Classification Criteria Version 2. Collection method: clinical testing. Allele origin: germline. Affected: yes. Observed: 1 variant allele.
Comment: TGFBR1: BP4

All of Us Research Program, National Institutes of Health
Classification: Likely benign for Loeys-Dietz syndrome. Last evaluated: 2023-04-28. Review status: criteria provided, single submitter. Criteria: ACMG Guidelines, 2015. Collection method: clinical testing. Allele origin: germline. Inheritance: Autosomal dominant inheritance. Observed: 1 variant allele, 1 heterozygote.
Comment: This study involves interpretation of variants in research participants for the purpose of population health screening. Participant phenotype was not available at the time of variant classification. Additional details can be found in publication PMID: 35346344, PMCID: PMC8962531

Color Diagnostics, LLC DBA Color Health
Classification: Likely benign for Familial thoracic aortic aneurysm and aortic dissection. Last evaluated: 2022-11-06. Review status: criteria provided, single submitter. Criteria: ACMG Guidelines, 2015. Collection method: clinical testing. Allele origin: germline.